The following is an entry in ClinVar:

NM_005236.3(ERCC4):c.671C>T (p.Ala224Val)

Gene: ERCC4 (ERCC excision repair 4, endonuclease catalytic subunit; plus strand). Cytogenetic location: 16p13.12.
Variant type: single nucleotide variant.
Coding change: c.671C>T on transcript NM_005236.3 (MANE Select); coding-DNA position 671, C replaced by T.
Protein change: p.Ala224Val; replaces alanine 224 with valine.
Molecular consequence: missense variant.
Genome position (GRCh38, 1-based): chr16:13,928,114, C>T. VCF-style: chr16-13928114-C-T. GRCh37 (hg19) VCF-style: chr16-14021971-C-T.
Other names: short protein forms A224V.
Identifiers: ClinVar variation 1420671 (VCV001420671.6), dbSNP rs2141946160, ClinGen allele CA394802560.

ClinVar aggregate classification (germline): Uncertain significance (1 of 4 stars; one submission).

Conditions:
Xeroderma pigmentosum, group F (XPF). Also called: XERODERMA PIGMENTOSUM VI; XP, GROUP F; XERODERMA PIGMENTOSUM, COMPLEMENTATION GROUP F; ERCC4-Related Xeroderma Pigmentosum; XERODERMA PIGMENTOSUM, TYPE F; Xeroderma pigmentosum, type 6. Identifiers: MedGen C0268140, MONDO:0010215, OMIM 278760.
Fanconi anemia complementation group Q. Identifiers: Orphanet 84, MedGen C3808988, MONDO:0014108, OMIM 615272.
Cockayne syndrome. Identifiers: Orphanet 191, MedGen C0009207, MONDO:0016006.

Submission:

Labcorp Genetics (formerly Invitae), Labcorp
Classification: Uncertain significance for Fanconi anemia complementation group Q; Xeroderma pigmentosum, group F; Cockayne syndrome. Last evaluated: 2022-07-05. Review status: criteria provided, single submitter. Criteria: Invitae Variant Classification Sherloc (09022015). Collection method: clinical testing. Allele origin: germline.
Comment: In summary, the available evidence is currently insufficient to determine the role of this variant in disease. Therefore, it has been classified as a Variant of Uncertain Significance. Algorithms developed to predict the effect of sequence changes on RNA splicing suggest that this variant may create or strengthen a splice site. Algorithms developed to predict the effect of missense changes on protein structure and function (SIFT, PolyPhen-2, Align-GVGD) all suggest that this variant is likely to be tolerated. ClinVar contains an entry for this variant (Variation ID: 1420671). This variant has not been reported in the literature in individuals affected with ERCC4-related conditions. This variant is not present in population databases (gnomAD no frequency). This sequence change replaces alanine, which is neutral and non-polar, with valine, which is neutral and non-polar, at codon 224 of the ERCC4 protein (p.Ala224Val).